The following is an entry in ClinVar:

ClinVar aggregate classification (germline): Benign. Review status: criteria provided, multiple submitters, no conflicts (2 of 4 stars). 3 submissions from 3 submitters: Benign (2). 1 of the submissions does not count toward it. Last evaluated 2021-11-15.

Conditions:
UBR4-related disorder. Also called: UBR4-related condition.

Allele frequency attached by ClinVar (database versions not stated): ESP Exome Variant Server 0.56013; gnomAD 0.57258 and 0.57281; gnomAD exomes 0.57776 and 0.59015; ExAC 0.58311; TOPMed 0.58773; 1000 Genomes Project 30x 0.59775; 1000 Genomes Project 0.60044.
gnomAD v4.1: 931,629 of 1,613,838 alleles (58%); highest among the groups gnomAD compares: East Asian, 78%; 272,210 homozygotes.

Submissions (3):

GeneDx
Classification: Benign. Last evaluated: 2021-11-15. Review status: criteria provided, single submitter. Criteria: GeneDx Variant Classification Process June 2021. Collection method: clinical testing. Allele origin: germline. Affected: yes.

Breakthrough Genomics
Classification: Benign. Review status: criteria provided, single submitter. Criteria: ACMG Guidelines, 2015. Collection method: not provided. Allele origin: germline. Inheritance: Unknown mechanism. Affected: yes.

PreventionGenetics, part of Exact Sciences
Classification: Benign for UBR4-related condition. Last evaluated: 2019-07-08. Review status: no assertion criteria provided. Collection method: clinical testing. Allele origin: germline. Not counted in ClinVar's aggregate classification.
Comment: This variant is classified as benign based on ACMG/AMP sequence variant interpretation guidelines (Richards et al. 2015 PMID: 25741868, with internal and published modifications).

NM_020765.3(UBR4):c.9981G>C (p.Leu3327=)

Gene: UBR4 (ubiquitin protein ligase E3 component n-recognin 4; minus strand). Cytogenetic location: 1p36.13.
Variant type: single nucleotide variant.
Coding change: c.9981G>C on transcript NM_020765.3 (MANE Select); coding-DNA position 9981, G replaced by C.
Protein change: p.Leu3327=; no amino-acid change (leucine 3327 retained).
Molecular consequence: synonymous variant.
Genome position (GRCh38, 1-based): chr1:19,121,349, C>G on the plus strand (G>C on the coding strand, the complement: UBR4 is on the minus strand). VCF-style: chr1-19121349-C-G. GRCh37 (hg19) VCF-style: chr1-19447843-C-G.
Identifiers: ClinVar variation 1321478 (VCV001321478.5), dbSNP rs1044010, ClinGen allele CA649316.
Genomic context (GRCh38, chr1:19,121,349, plus strand): 5'-GGAAGAAGCACTGGAGGATCCCGAAGAGGCTGCCAGTGCAGCGAGCACCTTGCTGCCGCA[C>G]AGAGCACAGGAGAGCAGTTGCAGCAGCACTGGGGACACGCCCTCATCCACAAGGAAACTG-3'
Protein context (NP_065816.2, residues 3317-3337): PVLLQLLSCA[Leu3327=]CGSKVLAALA